The following is an entry in ClinVar:

NM_000548.5(TSC2):c.1084C>G (p.Leu362Val)

Gene: TSC2 (TSC complex subunit 2; plus strand). Cytogenetic location: 16p13.3.
Variant type: single nucleotide variant.
Coding change: c.1084C>G on transcript NM_000548.5 (MANE Select); coding-DNA position 1084, C replaced by G.
Protein change: p.Leu362Val; replaces leucine 362 with valine.
Molecular consequence: missense variant. On other transcripts: 5 prime UTR variant (10), non-coding transcript variant (5).
Genome position (GRCh38, 1-based): chr16:2,060,778, C>G. VCF-style: chr16-2060778-C-G. GRCh37 (hg19) VCF-style: chr16-2110779-C-G.
Other names: c.1084C>G, p.Leu362Val (NM_001077183.3, NM_001114382.3, NM_001363528.2 and 6 more transcripts); c.973C>G, p.Leu325Val (NM_001318827.2, NM_001406670.1, NM_001406678.1); c.937C>G, p.Leu313Val (NM_001318829.2, NM_001406675.1, NM_001406676.1 and 1 more transcripts); c.484C>G, p.Leu162Val (NM_001318831.2, NM_001406680.1, NM_001406682.1 and 6 more transcripts); c.1117C>G, p.Leu373Val (NM_001318832.2); c.1174C>G, p.Leu392Val (NM_001406667.1, NM_001406668.1); c.1072C>G, p.Leu358Val (NM_001406671.1, NM_001406673.1); c.1027C>G, p.Leu343Val (NM_001406677.1); and 4 more; short protein forms L162V, L325V, L362V, L373V, L208V, L343V, L358V, L313V.
Identifiers: ClinVar variation 3462638 (VCV003462638.1).
Genomic context (GRCh38, chr16:2,060,778, plus strand): 5'-ATCACCAGGCTCATCAAGAAGTATAGGAAGGAGCTCCAGGTGGTGGCGTGGGACATTCTG[C>G]TGAACATCATCGAACGGCTCCTTCAGCAGCTCCAGGTGGGGTGGGGGCAGGAGCTCCGGG-3'
Protein context (NP_000539.2, residues 352-372): ELQVVAWDIL[Leu362Val]NIIERLLQQL

ClinVar aggregate classification (germline): Uncertain significance (1 of 4 stars; one submission).

Conditions:
Hereditary cancer-predisposing syndrome. Also called: Tumor predisposition; Neoplastic Syndromes, Hereditary; Hereditary neoplastic syndrome; Hereditary Cancer Syndrome. Identifiers: Orphanet 140162, MedGen C0027672, MeSH D009386, MONDO:0015356.

gnomAD v4.1: 2 of 1,613,918 alleles (0.00012%); highest among the groups gnomAD compares: Non-Finnish European, 0.00017%; no homozygotes.

Submission:

Ambry Genetics
Classification: Uncertain significance for Hereditary cancer-predisposing syndrome. Last evaluated: 2024-10-11. Review status: criteria provided, single submitter. Criteria: Ambry Variant Classification Scheme 2023. Collection method: clinical testing. Allele origin: germline.
Comment: The p.L362V variant (also known as c.1084C>G), located in coding exon 10 of the TSC2 gene, results from a C to G substitution at nucleotide position 1084. The leucine at codon 362 is replaced by valine, an amino acid with highly similar properties. This amino acid position is highly conserved in available vertebrate species. In addition, the in silico prediction for this alteration is inconclusive. Based on the available evidence, the clinical significance of this variant remains unclear.